The following is an entry in ClinVar:

ClinVar aggregate classification (germline): Uncertain significance (1 of 4 stars; one submission).

Conditions:
Melanoma, cutaneous malignant, susceptibility to, 5. Also called: Cutaneous malignant melanoma 5. Identifiers: Orphanet 618, MedGen C2751295, MONDO:0013133, OMIM 613099.

Allele frequency attached by ClinVar (database versions not stated): gnomAD 0.00004; gnomAD exomes 0.00007; TOPMed 0.00007; ESP Exome Variant Server 0.00024; ExAC 0.00004.

Submission:

Labcorp Genetics (formerly Invitae), Labcorp
Classification: Uncertain significance for Melanoma, cutaneous malignant, susceptibility to, 5. Last evaluated: 2024-09-27. Review status: criteria provided, single submitter. Criteria: Invitae Variant Classification Sherloc (09022015). Collection method: clinical testing. Allele origin: germline.
Comment: This sequence change replaces asparagine, which is neutral and polar, with serine, which is neutral and polar, at codon 279 of the MC1R protein (p.Asn279Ser). This variant is present in population databases (rs376692024, gnomAD 0.01%). This missense change has been observed in individual(s) with cutaneous melanoma (PMID: 23360207). ClinVar contains an entry for this variant (Variation ID: 573886). Invitae Evidence Modeling of protein sequence and biophysical properties (such as structural, functional, and spatial information, amino acid conservation, physicochemical variation, residue mobility, and thermodynamic stability) indicates that this missense variant is not expected to disrupt MC1R protein function with a negative predictive value of 80%. In summary, the available evidence is currently insufficient to determine the role of this variant in disease. Therefore, it has been classified as a Variant of Uncertain Significance.

Literature cited by the submitters: PubMed 23360207.

NM_002386.4(MC1R):c.836A>G (p.Asn279Ser)

Gene: MC1R (melanocortin 1 receptor; plus strand). Cytogenetic location: 16q24.3.
Variant type: single nucleotide variant.
Coding change: c.836A>G on transcript NM_002386.4 (MANE Select); coding-DNA position 836, A replaced by G.
Protein change: p.Asn279Ser; replaces asparagine 279 with serine.
Molecular consequence: missense variant.
Genome position (GRCh38, 1-based): chr16:89,920,094, A>G. VCF-style: chr16-89920094-A-G. GRCh37 (hg19) VCF-style: chr16-89986502-A-G.
Other names: short protein forms N279S.
Identifiers: ClinVar variation 573886 (VCV000573886.10), dbSNP rs376692024, ClinGen allele CA8255771.